The following is an entry in ClinVar:

ClinVar aggregate classification (germline): Uncertain significance. Review status: criteria provided, multiple submitters, no conflicts (2 of 4 stars). 2 submissions from 2 submitters: Uncertain significance (2). Last evaluated 2023-07-25.

Conditions:
Inborn genetic diseases. Identifiers: MedGen C0950123, MeSH D030342.

Allele frequency attached by ClinVar (database versions not stated): TOPMed 0.00002; gnomAD 0.00003; ExAC 0.00004; gnomAD exomes 0.00006; ESP Exome Variant Server 0.00015.
gnomAD v4.1: 97 of 1,614,034 alleles (0.006%); highest among the groups gnomAD compares: East Asian, 0.0089%; no homozygotes.

Submissions (2):

Ambry Genetics
Classification: Uncertain significance for Inborn genetic diseases. Last evaluated: 2023-07-25. Review status: criteria provided, single submitter. Criteria: Ambry Variant Classification Scheme 2023. Collection method: clinical testing. Allele origin: germline.

Labcorp Genetics (formerly Invitae), Labcorp
Classification: Uncertain significance. Last evaluated: 2021-08-11. Review status: criteria provided, single submitter. Criteria: Invitae Variant Classification Sherloc (09022015). Collection method: clinical testing. Allele origin: germline.
Comment: This sequence change replaces glycine with serine at codon 849 of the SH3PXD2B protein (p.Gly849Ser). The glycine residue is moderately conserved and there is a small physicochemical difference between glycine and serine. This variant is present in population databases (rs138100885, ExAC 0.02%). This variant has not been reported in the literature in individuals affected with SH3PXD2B-related conditions. Algorithms developed to predict the effect of missense changes on protein structure and function output the following: SIFT: "Tolerated"; PolyPhen-2: "Benign"; Align-GVGD: "Class C0". The serine amino acid residue is found in multiple mammalian species, which suggests that this missense change does not adversely affect protein function. Algorithms developed to predict the effect of sequence changes on RNA splicing suggest that this variant may create or strengthen a splice site. In summary, the available evidence is currently insufficient to determine the role of this variant in disease. Therefore, it has been classified as a Variant of Uncertain Significance.

NM_001017995.3(SH3PXD2B):c.2545G>A (p.Gly849Ser)

Gene: SH3PXD2B (SH3 and PX domains 2B; minus strand). Cytogenetic location: 5q35.1.
Variant type: single nucleotide variant.
Coding change: c.2545G>A on transcript NM_001017995.3 (MANE Select); coding-DNA position 2545, G replaced by A.
Protein change: p.Gly849Ser; replaces glycine 849 with serine.
Molecular consequence: missense variant. On other transcripts: intron variant (1).
Genome position (GRCh38, 1-based): chr5:172,338,560, C>T on the plus strand (G>A on the coding strand, the complement: SH3PXD2B is on the minus strand). VCF-style: chr5-172338560-C-T. GRCh37 (hg19) VCF-style: chr5-171765564-C-T.
Other names: c.1188+7576G>A (NM_001308175.2); c.2545G>A (NM_001017995.2); short protein forms G849S.
Identifiers: ClinVar variation 2181666 (VCV002181666.3), dbSNP rs138100885, ClinGen allele CA3560938.